The following is an entry in ClinVar:

NM_000388.4(CASR):c.2006T>C (p.Ile669Thr)

Gene: CASR (calcium sensing receptor; plus strand). Cytogenetic location: 3q21.1.
Variant type: single nucleotide variant.
Coding change: c.2006T>C on transcript NM_000388.4 (MANE Select); coding-DNA position 2006, T replaced by C.
Protein change: p.Ile669Thr; replaces isoleucine 669 with threonine.
Molecular consequence: missense variant.
Genome position (GRCh38, 1-based): chr3:122,283,960, T>C. VCF-style: chr3-122283960-T-C. GRCh37 (hg19) VCF-style: chr3-122002807-T-C.
Other names: c.2036T>C, p.Ile679Thr (NM_001178065.2); short protein forms I679T, I669T.
Identifiers: ClinVar variation 1380694 (VCV001380694.6), dbSNP rs2107649763, ClinGen allele CA354158289.
Genomic context (GRCh38, chr3:122,283,960, plus strand): 5'-AGCTCTCCTACCTCCTCCTCTTCTCCCTGCTCTGCTGCTTCTCCAGCTCCCTGTTCTTCA[T>C]CGGGGAGCCCCAGGACTGGACGTGCCGCCTGCGCCAGCCGGCCTTTGGCATCAGCTTCGT-3'
Protein context (NP_000379.3, residues 659-679): LCCFSSSLFF[Ile669Thr]GEPQDWTCRL

ClinVar aggregate classification (germline): Uncertain significance (1 of 4 stars; one submission).

Conditions:
Autosomal dominant hypocalcemia 1 (HYPOC1). Also called: HYPOCALCEMIA, FAMILIAL. Identifiers: MedGen C3715128, MONDO:0011013, OMIM 601198.
Familial hypocalciuric hypercalcemia (FHH). Also called: Familial benign hypercalcemia. Identifiers: Orphanet 405, MedGen C1809471, MONDO:0018458.

Allele frequency attached by ClinVar (database versions not stated): gnomAD exomes below 0.00001.
gnomAD v4.1: 1 of 1,613,612 alleles (0.000062%); highest among the groups gnomAD compares: African/African-American, 0.0013%; no homozygotes.

Submission:

Labcorp Genetics (formerly Invitae), Labcorp
Classification: Uncertain significance for Familial hypocalciuric hypercalcemia; Autosomal dominant hypocalcemia 1. Last evaluated: 2021-09-21. Review status: criteria provided, single submitter. Criteria: Invitae Variant Classification Sherloc (09022015). Collection method: clinical testing. Allele origin: germline.
Comment: This sequence change replaces isoleucine with threonine at codon 669 of the CASR protein (p.Ile669Thr). The isoleucine residue is highly conserved and there is a moderate physicochemical difference between isoleucine and threonine. This variant is not present in population databases (ExAC no frequency). This variant has not been reported in the literature in individuals affected with CASR-related conditions. Algorithms developed to predict the effect of missense changes on protein structure and function (SIFT, PolyPhen-2, Align-GVGD) all suggest that this variant is likely to be disruptive. In summary, the available evidence is currently insufficient to determine the role of this variant in disease. Therefore, it has been classified as a Variant of Uncertain Significance.